The following is an entry in ClinVar:

NM_001371279.1(REEP1):c.287T>C (p.Leu96Pro)

Gene: REEP1 (receptor accessory protein 1; minus strand). Cytogenetic location: 2p11.2.
Variant type: single nucleotide variant.
Coding change: c.287T>C on transcript NM_001371279.1 (MANE Select); coding-DNA position 287, T replaced by C.
Protein change: p.Leu96Pro; replaces leucine 96 with proline.
Molecular consequence: missense variant. On other transcripts: intron variant (1).
Genome position (GRCh38, 1-based): chr2:86,254,710, A>G on the plus strand (T>C on the coding strand, the complement: REEP1 is on the minus strand). VCF-style: chr2-86254710-A-G. GRCh37 (hg19) VCF-style: chr2-86481833-A-G.
Other names: c.308T>C, p.Leu103Pro (NM_001164730.2); c.206T>C, p.Leu69Pro (NM_001164731.2); c.287T>C, p.Leu96Pro (NM_001371280.1, NM_022912.3); c.182+9255T>C (NM_001164732.2); short protein forms L103P, L96P, L69P.
Identifiers: ClinVar variation 534215 (VCV000534215.10), dbSNP rs1553461473, ClinGen allele CA347717002.
Genomic context (GRCh38, chr2:86,254,710, plus strand): 5'-TCTCACTTGCTAGAAAGAATGAAAGACATGGCAGCATATATTACCTTTTCTTTTGAAGAT[A>G]GCGTGGGATGTACAAACTTCCTGTACAGGAGGCTGGAGCCTTTTGTGTAGGGAGACAGCA-3'
Protein context (NP_001358208.1, residues 86-106): LLYRKFVHPT[Leu96Pro]SSKEKEIDDC

ClinVar aggregate classification (germline): Uncertain significance. Review status: criteria provided, multiple submitters, no conflicts (2 of 4 stars). 2 submissions from 2 submitters: Uncertain significance (2). Last evaluated 2023-01-06.

Conditions:
Inborn genetic diseases. Identifiers: MedGen C0950123, MeSH D030342.
Hereditary spastic paraplegia 31. Also called: SPASTIC PARAPLEGIA 31, AUTOSOMAL DOMINANT. Identifiers: Orphanet 101011, MedGen C1853247, MONDO:0012453, OMIM 610250.

Submissions (2):

Ambry Genetics
Classification: Uncertain significance for Inborn genetic diseases. Last evaluated: 2023-01-06. Review status: criteria provided, single submitter. Criteria: Ambry Variant Classification Scheme 2023. Collection method: clinical testing. Allele origin: germline.

Labcorp Genetics (formerly Invitae), Labcorp
Classification: Uncertain significance for Hereditary spastic paraplegia 31. Last evaluated: 2021-12-21. Review status: criteria provided, single submitter. Criteria: Invitae Variant Classification Sherloc (09022015). Collection method: clinical testing. Allele origin: germline.
Comment: In summary, the available evidence is currently insufficient to determine the role of this variant in disease. Therefore, it has been classified as a Variant of Uncertain Significance. Algorithms developed to predict the effect of missense changes on protein structure and function are either unavailable or do not agree on the potential impact of this missense change (SIFT: "Deleterious"; PolyPhen-2: "Probably Damaging"; Align-GVGD: "Class C0"). ClinVar contains an entry for this variant (Variation ID: 534215). This missense change has been observed in individual(s) with hereditary spastic paraplegia (PMID: 28362824). This variant is not present in population databases (gnomAD no frequency). This sequence change replaces leucine, which is neutral and non-polar, with proline, which is neutral and non-polar, at codon 96 of the REEP1 protein (p.Leu96Pro).

Literature cited by the submitters: PubMed 28362824 (cited by Ambry Genetics and Labcorp Genetics (formerly Invitae), Labcorp).